The following is an entry in ClinVar:

NM_017433.5(MYO3A):c.192del (p.Glu65fs)

Gene: MYO3A (myosin IIIA; plus strand). Cytogenetic location: 10p12.1.
Variant type: Deletion.
Coding change: c.192del on transcript NM_017433.5 (MANE Select); coding-DNA position 192, one base deleted (A; older notation c.192delA).
Protein change: p.Glu65fs; shifts the reading frame from glutamic acid 65.
Molecular consequence: frameshift variant.
Genome position (GRCh38, 1-based): chr10:25,954,897, A deleted. VCF-style (leftmost placement, unchanged base first): chr10-25954896-CA-C. GRCh37 (hg19) VCF-style: chr10-26243825-CA-C.
Other names: c.192del, p.Glu65fs (NM_001368265.1); short protein forms E65fs.
Identifiers: ClinVar variation 3075926 (VCV003075926.1), dbSNP rs2491728764, ClinGen allele CA2825001667.

ClinVar aggregate classification (germline): Likely pathogenic (1 of 4 stars; one submission).

Conditions:
Nonsyndromic genetic hearing loss. Also called: Nonsyndromic hearing loss and deafness; Non-syndromic genetic deafness; Nonsyndromic genetic deafness. Identifiers: Orphanet 87884, MedGen C5680182, MONDO:0019497.

Submission:

Laboratory for Molecular Medicine, Mass General Brigham Personalized Medicine
Classification: Likely pathogenic for Nonsyndromic genetic hearing loss. Last evaluated: 2023-02-02. Review status: criteria provided, single submitter. Criteria: ACMG Guidelines, 2015. Collection method: clinical testing. Allele origin: germline.
Comment: The p.Glu65AsnfsX5 variant in MYO3A has not been reported in individuals with nonsyndromic hearing loss and was absent from large population databases. This variant is predicted to cause a frameshift, which alters the protein’s amino acid sequence beginning at position 65 and leads to a premature termination codon 5 amino acids downstream. Loss of function of the MYO3A gene is an established disease mechanism in autosomal recessive nonsyndromic hearing loss. In summary, although additional studies are required to fully establish its clinical significance, this variant meets criteria to be classified as likely pathogenic for autosomal recessive nonsyndromic hearing loss.ACMG/AMP Criteria applied: PVS1, PM2_Supporting.